The following is an entry in ClinVar:

NM_004304.5(ALK):c.104G>T (p.Gly35Val)

Gene: ALK (ALK receptor tyrosine kinase; minus strand). Cytogenetic location: 2p23.1.
Variant type: single nucleotide variant.
Coding change: c.104G>T on transcript NM_004304.5 (MANE Select); coding-DNA position 104, G replaced by T.
Protein change: p.Gly35Val; replaces glycine 35 with valine.
Molecular consequence: missense variant.
Genome position (GRCh38, 1-based): chr2:29,920,556, C>A on the plus strand (G>T on the coding strand, the complement: ALK is on the minus strand). VCF-style: chr2-29920556-C-A. GRCh37 (hg19) VCF-style: chr2-30143422-C-A.
Other names: c.104G>T (NM_004304.4); short protein forms G35V.
Identifiers: ClinVar variation 2918599 (VCV002918599.4), dbSNP rs766479433, ClinGen allele CA346590686.

ClinVar aggregate classification (germline): Uncertain significance. Review status: criteria provided, multiple submitters, no conflicts (2 of 4 stars). 2 submissions from 2 submitters: Uncertain significance (2). Last evaluated 2026-01-19.

Conditions:
Neuroblastoma, susceptibility to, 3. Also called: ALK-Related Neuroblastic Tumor Susceptibility. Identifiers: Orphanet 635, MedGen C2751681, MONDO:0013083, OMIM 613014.
Hereditary cancer-predisposing syndrome. Also called: Neoplastic Syndromes, Hereditary; Tumor predisposition; Hereditary neoplastic syndrome; Hereditary Cancer Syndrome. Identifiers: Orphanet 140162, MedGen C0027672, MeSH D009386, MONDO:0015356.

Submissions (2):

Labcorp Genetics (formerly Invitae), Labcorp
Classification: Uncertain significance for Neuroblastoma, susceptibility to, 3. Last evaluated: 2026-01-19. Review status: criteria provided, single submitter. Criteria: Invitae Variant Classification Sherloc (09022015). Collection method: clinical testing. Allele origin: germline.
Comment: This sequence change replaces glycine, which is neutral and non-polar, with valine, which is neutral and non-polar, at codon 35 of the ALK protein (p.Gly35Val). This variant is not present in population databases (gnomAD no frequency). This variant has not been reported in the literature in individuals affected with ALK-related conditions. ClinVar contains an entry for this variant (Variation ID: 2918599). An algorithm developed to predict the effect of missense changes on protein structure and function (PolyPhen-2) suggests that this variant is likely to be tolerated. In summary, the available evidence is currently insufficient to determine the role of this variant in disease. Therefore, it has been classified as a Variant of Uncertain Significance.

Ambry Genetics
Classification: Uncertain significance for Hereditary cancer-predisposing syndrome. Last evaluated: 2025-06-25. Review status: criteria provided, single submitter. Criteria: Ambry Variant Classification Scheme 2023. Collection method: clinical testing. Allele origin: germline.
Comment: The p.G35V variant (also known as c.104G>T), located in coding exon 1 of the ALK gene, results from a G to T substitution at nucleotide position 104. The glycine at codon 35 is replaced by valine, an amino acid with dissimilar properties. This amino acid position is well conserved in available vertebrate species. In addition, this alteration is predicted to be tolerated by in silico analysis. Based on the available evidence, the clinical significance of this variant remains unclear.